The following is an entry in ClinVar:

NM_003738.5(PTCH2):c.3058G>A (p.Val1020Met)

Gene: PTCH2 (patched 2; minus strand). Cytogenetic location: 1p34.1.
Variant type: single nucleotide variant.
Coding change: c.3058G>A on transcript NM_003738.5 (MANE Select); coding-DNA position 3058, G replaced by A.
Protein change: p.Val1020Met; replaces valine 1020 with methionine.
Molecular consequence: missense variant.
Genome position (GRCh38, 1-based): chr1:44,826,306, C>T on the plus strand (G>A on the coding strand, the complement: PTCH2 is on the minus strand). VCF-style: chr1-44826306-C-T. GRCh37 (hg19) VCF-style: chr1-45291978-C-T.
Other names: c.3058G>A, p.Val1020Met (NM_001166292.2); short protein forms V1020M.
Identifiers: ClinVar variation 4743475 (VCV004743475.1).
Genomic context (GRCh38, chr1:44,826,306, plus strand): 5'-TCACCAGAGCCACGTGGACTGTGAACTCAACGCCAATGCCTACAGAGGCCACAAGGATCA[C>T]CACGGGGATGGCACTCAGCTTGATGCCCAGGAAACCCATGATACCAAAGAGTTCCACTGT-3'
Protein context (NP_003729.3, residues 1010-1030): LGIKLSAIPV[Val1020Met]ILVASVGIGV

ClinVar aggregate classification (germline): Uncertain significance (1 of 4 stars; one submission).

Conditions:
Gorlin syndrome. Also called: Nevoid Basal Cell Carcinoma Syndrome; Basal cell nevus syndrome. Identifiers: Orphanet 377, MedGen C0004779, MONDO:0007187.

gnomAD v4.1: 1 of 1,614,150 alleles (0.000062%); highest among the groups gnomAD compares: East Asian, 0.0022%; no homozygotes.

Submission:

Labcorp Genetics (formerly Invitae), Labcorp
Classification: Uncertain significance for Gorlin syndrome. Last evaluated: 2025-10-15. Review status: criteria provided, single submitter. Criteria: Invitae Variant Classification Sherloc (09022015). Collection method: clinical testing. Allele origin: germline.
Comment: This sequence change replaces valine, which is neutral and non-polar, with methionine, which is neutral and non-polar, at codon 1020 of the PTCH2 protein (p.Val1020Met). This variant is not present in population databases (gnomAD no frequency). This variant has not been reported in the literature in individuals affected with PTCH2-related conditions. Invitae Evidence Modeling of protein sequence and biophysical properties (such as structural, functional, and spatial information, amino acid conservation, physicochemical variation, residue mobility, and thermodynamic stability) indicates that this missense variant is not expected to disrupt PTCH2 protein function with a negative predictive value of 80%. In summary, the available evidence is currently insufficient to determine the role of this variant in disease. Therefore, it has been classified as a Variant of Uncertain Significance.